The following is an entry in ClinVar:

ClinVar aggregate classification (germline): Uncertain significance. Review status: criteria provided, multiple submitters, no conflicts (2 of 4 stars). 3 submissions from 3 submitters: Uncertain significance (3). Last evaluated 2025-07-26.

Conditions:
Neonatal-onset encephalopathy with rigidity and seizures. Also called: Lethal neonatal spasticity-epileptic encephalopathy syndrome. Identifiers: Orphanet 435845, MedGen C3281029, MONDO:0013784, OMIM 614498.

Allele frequency attached by ClinVar (database versions not stated): gnomAD 0.00002; TOPMed 0.00002; gnomAD exomes 0.00007; ExAC 0.00009.
gnomAD v4.1: 64 of 1,600,804 alleles (0.004%); highest among the groups gnomAD compares: Admixed American, 0.012%; no homozygotes.

Submissions (3):

GeneDx
Classification: Uncertain significance. Last evaluated: 2025-07-26. Review status: criteria provided, single submitter. Criteria: GeneDx Variant Classification Process June 2021. Collection method: clinical testing. Allele origin: germline. Affected: yes.
Comment: In silico analysis suggests that this missense variant does not alter protein structure/function; Has not been previously published as pathogenic or benign to our knowledge

Labcorp Genetics (formerly Invitae), Labcorp
Classification: Uncertain significance for Neonatal-onset encephalopathy with rigidity and seizures. Last evaluated: 2022-10-17. Review status: criteria provided, single submitter. Criteria: Invitae Variant Classification Sherloc (09022015). Collection method: clinical testing. Allele origin: germline.
Comment: This sequence change replaces valine, which is neutral and non-polar, with methionine, which is neutral and non-polar, at codon 271 of the BRAT1 protein (p.Val271Met). This variant is present in population databases (rs746527927, gnomAD 0.02%). This variant has not been reported in the literature in individuals affected with BRAT1-related conditions. ClinVar contains an entry for this variant (Variation ID: 804561). Advanced modeling of protein sequence and biophysical properties (such as structural, functional, and spatial information, amino acid conservation, physicochemical variation, residue mobility, and thermodynamic stability) performed at Invitae indicates that this missense variant is expected to disrupt BRAT1 protein function. In summary, the available evidence is currently insufficient to determine the role of this variant in disease. Therefore, it has been classified as a Variant of Uncertain Significance.

Athena Diagnostics
Classification: Uncertain significance. Last evaluated: 2018-12-06. Review status: criteria provided, single submitter. Criteria: Athena Diagnostics Criteria. Collection method: clinical testing. Allele origin: germline.

NM_152743.4(BRAT1):c.811G>A (p.Val271Met)

Gene: BRAT1 (BRCA1 associated ATM activator 1; minus strand). Cytogenetic location: 7p22.3.
Variant type: single nucleotide variant.
Coding change: c.811G>A on transcript NM_152743.4 (MANE Select); coding-DNA position 811, G replaced by A.
Protein change: p.Val271Met; replaces valine 271 with methionine.
Molecular consequence: missense variant. On other transcripts: non-coding transcript variant (1).
Genome position (GRCh38, 1-based): chr7:2,543,316, C>T on the plus strand (G>A on the coding strand, the complement: BRAT1 is on the minus strand). VCF-style: chr7-2543316-C-T. GRCh37 (hg19) VCF-style: chr7-2582950-C-T.
Other names: c.811G>A, p.Val271Met (NM_001350626.2); c.286G>A, p.Val96Met (NM_001350627.2); short protein forms V271M, V96M.
Identifiers: ClinVar variation 804561 (VCV000804561.4), dbSNP rs746527927, ClinGen allele CA4128046.